The following is an entry in ClinVar:

NM_021072.4(HCN1):c.1853A>G (p.Glu618Gly)

Gene: HCN1 (hyperpolarization activated cyclic nucleotide gated potassium channel 1; minus strand). Cytogenetic location: 5p12.
Variant type: single nucleotide variant.
Coding change: c.1853A>G on transcript NM_021072.4 (MANE Select); coding-DNA position 1853, A replaced by G.
Protein change: p.Glu618Gly; replaces glutamic acid 618 with glycine.
Molecular consequence: missense variant.
Genome position (GRCh38, 1-based): chr5:45,262,741, T>C on the plus strand (A>G on the coding strand, the complement: HCN1 is on the minus strand). VCF-style: chr5-45262741-T-C. GRCh37 (hg19) VCF-style: chr5-45262843-T-C.
Other names: short protein forms E618G.
Identifiers: ClinVar variation 2580691 (VCV002580691.1), dbSNP rs2478183301, ClinGen allele CA359704573.

ClinVar aggregate classification (germline): Uncertain significance (1 of 4 stars; one submission).

Allele frequency attached by ClinVar (database versions not stated): gnomAD exomes below 0.00001.
gnomAD v4.1: 1 of 1,614,176 alleles (0.000062%); highest among the groups gnomAD compares: South Asian, 0.0011%; no homozygotes.

Submission:

GeneDx
Classification: Uncertain significance. Last evaluated: 2023-03-23. Review status: criteria provided, single submitter. Criteria: GeneDx Variant Classification Process June 2021. Collection method: clinical testing. Allele origin: germline. Affected: yes.
Comment: Not observed at significant frequency in large population cohorts (gnomAD); In silico analysis supports that this missense variant has a deleterious effect on protein structure/function; Has not been previously published as pathogenic or benign to our knowledge